The following is an entry in ClinVar:

NM_003000.3(SDHB):c.279C>T (p.Cys93=)

Gene: SDHB (succinate dehydrogenase complex iron sulfur subunit B; minus strand). Cytogenetic location: 1p36.13.
Variant type: single nucleotide variant.
Coding change: c.279C>T on transcript NM_003000.3 (MANE Select); coding-DNA position 279, C replaced by T.
Protein change: p.Cys93=; no amino-acid change (cysteine 93 retained).
Molecular consequence: synonymous variant.
Genome position (GRCh38, 1-based): chr1:17,033,067, G>A on the plus strand (C>T on the coding strand, the complement: SDHB is on the minus strand). VCF-style: chr1-17033067-G-A. GRCh37 (hg19) VCF-style: chr1-17359562-G-A.
Identifiers: ClinVar variation 1149413 (VCV001149413.12), dbSNP rs2101528858, ClinGen allele CA416089203.

ClinVar aggregate classification (germline): Benign/Likely benign. Review status: criteria provided, multiple submitters, no conflicts (2 of 4 stars). 4 submissions from 4 submitters: Benign (1); Likely benign (3). Last evaluated 2025-03-12.

Conditions:
Pheochromocytoma. Also called: MAX-Related Hereditary Paraganglioma-Pheochromocytoma Syndrome. Identifiers: Orphanet 29072, MedGen C0031511, MONDO:0008233, OMIM 171300, HP:0002666.
Pheochromocytoma/paraganglioma syndrome 4. Also called: CAROTID BODY TUMORS AND MULTIPLE EXTRAADRENAL PHEOCHROMOCYTOMAS; PARAGANGLIOMA, FAMILIAL MALIGNANT; PARAGANGLIOMAS, HEREDITARY EXTRAADRENAL; PHEOCHROMOCYTOMA, FAMILIAL EXTRAADRENAL; Paragangliomas 4; SDHB-Related Hereditary Paraganglioma-Pheochromocytoma Syndrome (Paragangliomas 4). Identifiers: Orphanet 29072, MedGen C1861848, MONDO:0007273, OMIM 115310.
Gastrointestinal stromal tumor. Also called: Gastrointestinal stroma tumor; Gastrointestinal stromal tumor, somatic. Identifiers: Orphanet 44890, MedGen C0238198, MeSH D046152, MONDO:0011719, OMIM 606764, HP:0100723.
Hereditary pheochromocytoma and paraganglioma. Also called: Hereditary pheochromocytoma-paraganglioma; Hereditary Paraganglioma-Pheochromocytoma Syndromes; Hereditary paragangliomas and pheochromocytomas. Identifiers: Orphanet 29072, MedGen C4274332, MONDO:0017366.
Hereditary cancer-predisposing syndrome. Also called: Tumor predisposition; Hereditary Cancer Syndrome; Hereditary neoplastic syndrome; Neoplastic Syndromes, Hereditary. Identifiers: Orphanet 140162, MedGen C0027672, MeSH D009386, MONDO:0015356.

Allele frequency attached by ClinVar (database versions not stated): gnomAD exomes below 0.00001.
gnomAD v4.1: 3 of 1,612,186 alleles (0.00019%); highest among the groups gnomAD compares: Non-Finnish European, 0.00025%; no homozygotes.

Submissions (4):

Myriad Genetics, Inc.
Classification: Benign for Pheochromocytoma/paraganglioma syndrome 4. Last evaluated: 2025-03-12. Review status: criteria provided, single submitter. Criteria: Myriad Autosomal Dominant, Autosomal Recessive and X-Linked Classification Criteria (2023). Collection method: clinical testing. Allele origin: unknown.
Comment: This variant is considered benign. This variant is a silent/synonymous amino acid change and it is not expected to impact splicing.

Labcorp Genetics (formerly Invitae), Labcorp
Classification: Likely benign for Gastrointestinal stromal tumor; Pheochromocytoma/paraganglioma syndrome 4; Pheochromocytoma. Last evaluated: 2024-09-27. Review status: criteria provided, single submitter. Criteria: Invitae Variant Classification Sherloc (09022015). Collection method: clinical testing. Allele origin: germline.

All of Us Research Program, National Institutes of Health
Classification: Likely benign for Hereditary pheochromocytoma and paraganglioma. Last evaluated: 2024-05-14. Review status: criteria provided, single submitter. Criteria: ACMG Guidelines, 2015. Collection method: clinical testing. Allele origin: germline. Inheritance: Autosomal dominant inheritance. Observed: 2 variant alleles, 2 heterozygotes.
Comment: This study involves interpretation of variants in research participants for the purpose of population health screening. Participant phenotype was not available at the time of variant classification. Additional details can be found in publication PMID: 35346344, PMCID: PMC8962531

Ambry Genetics
Classification: Likely benign for Hereditary cancer-predisposing syndrome. Last evaluated: 2023-12-20. Review status: criteria provided, single submitter. Criteria: Ambry Variant Classification Scheme 2023. Collection method: clinical testing. Allele origin: germline.